The following is an entry in ClinVar:

NM_177438.3(DICER1):c.5604-1G>A

Gene: DICER1 (dicer 1, ribonuclease III; minus strand). Cytogenetic location: 14q32.13.
Variant type: single nucleotide variant.
Coding change: c.5604-1G>A on transcript NM_177438.3 (MANE Select); the canonical splice acceptor site of the intron before coding-DNA position 5604, G replaced by A.
Molecular consequence: splice acceptor variant.
Genome position (GRCh38, 1-based): chr14:95,090,664, C>T on the plus strand (G>A on the coding strand, the complement: DICER1 is on the minus strand). VCF-style: chr14-95090664-C-T. GRCh37 (hg19) VCF-style: chr14-95557001-C-T.
Other names: c.5604-1G>A (NM_001291628.2, NM_030621.4, NM_001395677.1 and 7 more transcripts); c.5199-1G>A (NM_001395690.1, NM_001395687.1, NM_001395689.1 and 1 more transcripts); c.5322-1G>A (NM_001395686.1); c.5037-1G>A (NM_001395691.1); c.3921-1G>A (NM_001395697.1); c.5441-1G>A (NM_001195573.1).
Identifiers: ClinVar variation 933130 (VCV000933130.2), dbSNP rs1889714810, ClinGen allele CA390863856.

ClinVar aggregate classification (germline): Likely pathogenic (1 of 4 stars; one submission).

Submission:

Foulkes Cancer Genetics LDI, Lady Davis Institute for Medical Research
Classification: Likely pathogenic. Last evaluated: 2019-07-01. Review status: criteria provided, single submitter. Criteria: ACMG Guidelines, 2015. Collection method: curation. Allele origin: somatic. Affected: yes. Observed: 1 variant allele.
Comment: ACMG criteria met: PVS1, PM2,

Literature cited by the submitters: PubMed 28012864.